The following is an entry in ClinVar:

ClinVar aggregate classification (germline): Conflicting classifications of pathogenicity. Review status: criteria provided, conflicting classifications (1 of 4 stars). 11 submissions from 11 submitters: Uncertain significance (1); Benign (2); Likely benign (6). 2 of the submissions do not count toward it. Last evaluated 2026-02-01.

Conditions:
Autoinflammatory syndrome. Identifiers: Orphanet 93665, MedGen C3890737, MONDO:0019751.
Chédiak-Higashi syndrome (CHS). Also called: Chediak-Higashi Syndrome. Identifiers: Orphanet 167, MedGen C0007965, MONDO:0008963, OMIM 214500.

Allele frequency attached by ClinVar (database versions not stated): ESP Exome Variant Server 0.00069; gnomAD exomes 0.00078 and 0.00117; 1000 Genomes Project 0.00080; 1000 Genomes Project 30x 0.00094; ExAC 0.00103; gnomAD 0.00106 and 0.00109; TOPMed 0.00108.
gnomAD v4.1: 1,337 of 1,612,156 alleles (0.083%); highest among the groups gnomAD compares: Middle Eastern, 1%; 3 homozygotes.

Submissions (11):

Labcorp Genetics (formerly Invitae), Labcorp
Classification: Likely benign for Chédiak-Higashi syndrome. Last evaluated: 2026-02-01. Review status: criteria provided, single submitter. Criteria: Invitae Variant Classification Sherloc (09022015). Collection method: clinical testing. Allele origin: germline.

CeGaT Center for Human Genetics Tuebingen
Classification: Likely benign. Last evaluated: 2025-09-01. Review status: criteria provided, single submitter. Criteria: CeGaT Center For Human Genetics Tuebingen Variant Classification Criteria Version 2. Collection method: clinical testing. Allele origin: germline. Affected: yes. Observed: 7 variant alleles.
Comment: LYST: BP4, BP7

Mayo Clinic Laboratories, Mayo Clinic
Classification: Benign. Last evaluated: 2025-03-18. Review status: criteria provided, single submitter. Criteria: ACMG Guidelines, 2015. Collection method: clinical testing. Allele origin: germline. Observed: 5 variant alleles.
Comment: BA1, BP4, BP7

Blueprint Genetics
Classification: Likely benign. Last evaluated: 2024-10-02. Review status: criteria provided, single submitter. Criteria: ACMG Guidelines, 2015. Collection method: clinical testing. Allele origin: germline.

Women's Health and Genetics/Laboratory Corporation of America, LabCorp
Classification: Benign. Last evaluated: 2024-05-02. Review status: criteria provided, single submitter. Criteria: LabCorp Variant Classification Summary - May 2015. Collection method: clinical testing. Allele origin: germline.

Genome Diagnostics Laboratory, The Hospital for Sick Children
Classification: Uncertain significance for Autoinflammatory syndrome. Last evaluated: 2018-03-01. Review status: criteria provided, single submitter. Criteria: ACMG Guidelines, 2015. Collection method: clinical testing. Allele origin: germline. Affected: yes.

Genome Diagnostics Laboratory, University Medical Center Utrecht
Classification: Likely benign for Chédiak-Higashi syndrome. Last evaluated: 2017-07-26. Review status: criteria provided, single submitter. Criteria: ACGS Guidelines, 2013. Collection method: clinical testing. Allele origin: germline. Affected: yes. Study: VKGL Data-share Consensus.

Genetic Services Laboratory, University of Chicago
Classification: Likely benign. Last evaluated: 2017-03-10. Review status: criteria provided, single submitter. Criteria: ACMG Guidelines, 2015. Collection method: clinical testing. Allele origin: germline. Affected: no.

PreventionGenetics, part of Exact Sciences
Classification: Likely benign. Review status: criteria provided, single submitter. Criteria: ACMG Guidelines, 2015. Collection method: clinical testing. Allele origin: germline.

Clinical Genetics DNA and cytogenetics Diagnostics Lab, Erasmus MC, Erasmus Medical Center
Classification: Likely benign. Review status: no assertion criteria provided. Collection method: clinical testing. Allele origin: germline. Affected: yes. Study: VKGL Data-share Consensus. Not counted in ClinVar's aggregate classification.

Clinical Genetics, Academic Medical Center
Classification: Benign. Review status: no assertion criteria provided. Collection method: clinical testing. Allele origin: germline. Affected: yes. Study: VKGL Data-share Consensus. Not counted in ClinVar's aggregate classification.

NM_000081.4(LYST):c.7506A>G (p.Gln2502=)

Gene: LYST (lysosomal trafficking regulator; minus strand). Cytogenetic location: 1q42.3.
Variant type: single nucleotide variant.
Coding change: c.7506A>G on transcript NM_000081.4 (MANE Select); coding-DNA position 7506, A replaced by G.
Protein change: p.Gln2502=; no amino-acid change (glutamine 2502 retained).
Molecular consequence: synonymous variant.
Genome position (GRCh38, 1-based): chr1:235,752,126, T>C on the plus strand (A>G on the coding strand, the complement: LYST is on the minus strand). VCF-style: chr1-235752126-T-C. GRCh37 (hg19) VCF-style: chr1-235915426-T-C.
Other names: p.Gln2502=; c.7506A>G, p.Gln2502= (NM_001301365.1).
Identifiers: ClinVar variation 254939 (VCV000254939.56), dbSNP rs140434436, ClinGen allele CA1466117.
Genomic context (GRCh38, chr1:235,752,126, plus strand): 5'-AACCCTAAAATATTGTGAGCCTGAGGAACTGCAAGCATGAATTGTAACTGCTATGAAAAG[T>C]TGCTGTATATCACAAGCAAGCAATTTATATTCACTCATGGGAATGCTAAAGATAACAACA-3'
Protein context (NP_000072.2, residues 2492-2512): EYKLLACDIQ[Gln2502=]LFIAVTIHAC